The following is an entry in ClinVar:

ClinVar aggregate classification (germline): Pathogenic (1 of 4 stars; one submission).

Conditions:
WAS-related disorder. Also called: WAS-Related Disorders; WAS-related condition. Identifiers: MedGen CN381538.

Submission:

PreventionGenetics, part of Exact Sciences
Classification: Pathogenic for WAS-related condition. Last evaluated: 2025-04-03. Review status: criteria provided, single submitter. Criteria: ACMG Guidelines, 2015. Collection method: clinical testing. Allele origin: germline.
Comment: The WAS c.132+2T>A variant is predicted to disrupt the GT donor site and interfere with normal splicing. To our knowledge, this variant has not been reported in the literature or in a large population database (gnomAD), indicating this variant is rare. Variants that disrupt the consensus splice donor site in WAS are expected to be pathogenic. This variant is interpreted as pathogenic.

NM_000377.3(WAS):c.132+2T>A

Gene: WAS (WASP actin nucleation promoting factor; plus strand). Cytogenetic location: Xp11.23.
Variant type: single nucleotide variant.
Coding change: c.132+2T>A on transcript NM_000377.3 (MANE Select); the canonical splice donor site of the intron after coding-DNA position 132, T replaced by A.
Molecular consequence: splice donor variant.
Genome position (GRCh38, 1-based): chrX:48,683,987, T>A. VCF-style: chrX-48683987-T-A. GRCh37 (hg19) VCF-style: chrX-48542376-T-A.
Other names: c.132+2T>A (NM_001438879.1, NM_001438877.1, NM_001438878.1 and 1 more transcripts).
Identifiers: ClinVar variation 4999285 (VCV004999285.1).